The following is an entry in ClinVar:

NM_003839.4(TNFRSF11A):c.1703G>A (p.Arg568His)

Gene: TNFRSF11A (TNF receptor superfamily member 11a; plus strand). Cytogenetic location: 18q21.33.
Variant type: single nucleotide variant.
Coding change: c.1703G>A on transcript NM_003839.4 (MANE Select); coding-DNA position 1703, G replaced by A.
Protein change: p.Arg568His; replaces arginine 568 with histidine.
Molecular consequence: missense variant. On other transcripts: 3 prime UTR variant (1).
Genome position (GRCh38, 1-based): chr18:62,384,886, G>A. VCF-style: chr18-62384886-G-A. GRCh37 (hg19) VCF-style: chr18-60052119-G-A.
Other names: c.1703G>A (NM_003839.2); c.*127G>A (NM_001270949.2); c.866G>A, p.Arg289His (NM_001270950.2); c.752G>A, p.Arg251His (NM_001270951.2); c.1661G>A, p.Arg554His (NM_001278268.2); short protein forms R554H, R289H, R568H, R251H.
Identifiers: ClinVar variation 1031362 (VCV001031362.33), dbSNP rs375618864, ClinGen allele CA8984038.

ClinVar aggregate classification (germline): Conflicting classifications of pathogenicity. Review status: criteria provided, conflicting classifications (1 of 4 stars). 6 submissions from 6 submitters: Uncertain significance (5); Likely benign (1). Last evaluated 2026-01-24.

Conditions:
Familial expansile osteolysis (FEO). Also called: MCCABE DISEASE; POLYOSTOTIC OSTEOLYTIC DYSPLASIA, HEREDITARY EXPANSILE. Identifiers: Orphanet 85195, MedGen C0432292, MONDO:0008275, OMIM 174810.
Inborn genetic diseases. Identifiers: MedGen C0950123, MeSH D030342.

Allele frequency attached by ClinVar (database versions not stated): TOPMed 0.00029; ESP Exome Variant Server 0.00031; gnomAD 0.00031 and 0.00034; ExAC 0.00035.
gnomAD v4.1: 734 of 1,589,586 alleles (0.046%); highest among the groups gnomAD compares: Non-Finnish European, 0.059%; 1 homozygote.

Submissions (6):

Labcorp Genetics (formerly Invitae), Labcorp
Classification: Uncertain significance. Last evaluated: 2026-01-24. Review status: criteria provided, single submitter. Criteria: Invitae Variant Classification Sherloc (09022015). Collection method: clinical testing. Allele origin: germline.
Comment: This sequence change replaces arginine, which is basic and polar, with histidine, which is basic and polar, at codon 568 of the TNFRSF11A protein (p.Arg568His). This variant is present in population databases (rs375618864, gnomAD 0.05%). This variant has not been reported in the literature in individuals affected with TNFRSF11A-related conditions. ClinVar contains an entry for this variant (Variation ID: 1031362). An algorithm developed to predict the effect of missense changes on protein structure and function outputs the following: PolyPhen-2: "Benign". The histidine amino acid residue is found in multiple mammalian species, which suggests that this missense change does not adversely affect protein function. In summary, the available evidence is currently insufficient to determine the role of this variant in disease. Therefore, it has been classified as a Variant of Uncertain Significance.

Blueprint Genetics
Classification: Likely benign. Last evaluated: 2024-10-17. Review status: criteria provided, single submitter. Criteria: ACMG Guidelines, 2015. Collection method: clinical testing. Allele origin: germline.

CeGaT Center for Human Genetics Tuebingen
Classification: Uncertain significance. Last evaluated: 2024-01-01. Review status: criteria provided, single submitter. Criteria: CeGaT Center For Human Genetics Tuebingen Variant Classification Criteria Version 2. Collection method: clinical testing. Allele origin: germline. Affected: yes. Observed: 1 variant allele.
Comment: TNFRSF11A: PM2

Institute for Clinical Genetics, University Hospital TU Dresden, University Hospital TU Dresden
Classification: Uncertain significance. Last evaluated: 2021-11-03. Review status: criteria provided, single submitter. Criteria: ACMG Guidelines, 2015. Collection method: clinical testing. Allele origin: germline.

Ambry Genetics
Classification: Uncertain significance for Inborn genetic diseases. Last evaluated: 2020-12-04. Review status: criteria provided, single submitter. Criteria: Ambry Variant Classification Scheme 2023. Collection method: clinical testing. Allele origin: germline.

Baylor Genetics
Classification: Uncertain significance for Familial expansile osteolysis. Last evaluated: 2018-12-06. Review status: criteria provided, single submitter. Criteria: ACMG Guidelines, 2015. Collection method: clinical testing. Allele origin: maternal. Affected: yes.
Comment: This variant was determined to be of uncertain significance according to ACMG Guidelines, 2015 [PMID:25741868].